The following is an entry in ClinVar:

NM_001447.3(FAT2):c.10946G>A (p.Arg3649Gln)

Genes: FAT2 (FAT atypical cadherin 2; minus strand), SLC36A1 (solute carrier family 36 member 1; plus strand). Cytogenetic location: 5q33.1.
Variant type: single nucleotide variant.
Coding change: c.10946G>A on transcript NM_001447.3 (MANE Select); coding-DNA position 10946, G replaced by A.
Protein change: p.Arg3649Gln; replaces arginine 3649 with glutamine.
Molecular consequence: missense variant.
Genome position (GRCh38, 1-based): chr5:151,521,647, C>T on the plus strand (G>A on the coding strand, the complement: FAT2 is on the minus strand). VCF-style: chr5-151521647-C-T. GRCh37 (hg19) VCF-style: chr5-150901208-C-T.
Other names: short protein forms R3649Q.
Identifiers: ClinVar variation 446266 (VCV000446266.1), dbSNP rs201335279, ClinGen allele CA3520123.

ClinVar aggregate classification (germline): Uncertain significance. Review status: criteria provided, single submitter (1 of 4 stars). 2 submissions from 2 submitters: Uncertain significance (1). 1 of the submissions does not count toward it. Last evaluated 2018-10-15.

Conditions:
Spinocerebellar ataxia 45. Identifiers: Orphanet 589527, MedGen C4540400, MONDO:0033480, OMIM 617769.

Allele frequency attached by ClinVar (database versions not stated): gnomAD 0.00001 and 0.00003; gnomAD exomes 0.00001; ExAC 0.00002; TOPMed 0.00002.
gnomAD v4.1: 17 of 1,613,924 alleles (0.0011%); highest among the groups gnomAD compares: Middle Eastern, 0.033%; no homozygotes.

Submissions (2):

SIB Swiss Institute of Bioinformatics
Classification: Uncertain significance for Spinocerebellar ataxia 45. Last evaluated: 2018-10-15. Review status: criteria provided, single submitter. Criteria: ACMG Guidelines, 2015. Collection method: curation. Allele origin: germline.
Comment: This variant is interpreted as Uncertain Significance - Insufficient Evidence, for Spinocerebellar ataxia 45, autosomal dominant. The following ACMG Tag(s) were applied: PM2-Supporting => PM2 downgraded in strength to Supporting. PP3 => Multiple lines of computational evidence support a deleterious effect on the gene or gene product (PubMed 29053796).

OMIM
Classification: Pathogenic for SPINOCEREBELLAR ATAXIA 45. Last evaluated: 2017-11-16. Review status: no assertion criteria provided. Collection method: literature only. Allele origin: germline. Not counted in ClinVar's aggregate classification.

Literature cited by the submitters: PubMed 29053796 (cited by SIB Swiss Institute of Bioinformatics and OMIM).